The following is an entry in ClinVar:

NM_006885.4(ZFHX3):c.3384T>G (p.Leu1128=)

Gene: ZFHX3 (zinc finger homeobox 3; minus strand). Cytogenetic location: 16q22.3.
Variant type: single nucleotide variant.
Coding change: c.3384T>G on transcript NM_006885.4 (MANE Select); coding-DNA position 3384, T replaced by G.
Protein change: p.Leu1128=; no amino-acid change (leucine 1128 retained).
Molecular consequence: synonymous variant.
Genome position (GRCh38, 1-based): chr16:72,889,795, A>C on the plus strand (T>G on the coding strand, the complement: ZFHX3 is on the minus strand). VCF-style: chr16-72889795-A-C. GRCh37 (hg19) VCF-style: chr16-72923694-A-C.
Other names: c.642T>G, p.Leu214= (NM_001164766.2); c.3384T>G, p.Leu1128= (NM_001386735.1).
Identifiers: ClinVar variation 3905029 (VCV003905029.10).

ClinVar aggregate classification (germline): Likely benign (1 of 4 stars; one submission).

gnomAD v4.1: 157 of 1,613,644 alleles (0.0097%); highest among the groups gnomAD compares: Middle Eastern, 0.23%; no homozygotes.

Submission:

CeGaT Center for Human Genetics Tuebingen
Classification: Likely benign. Last evaluated: 2025-05-01. Review status: criteria provided, single submitter. Criteria: CeGaT Center For Human Genetics Tuebingen Variant Classification Criteria Version 2. Collection method: clinical testing. Allele origin: germline. Affected: yes. Observed: 1 variant allele.
Comment: ZFHX3: BP4, BP7